The following is an entry in ClinVar:

NM_024577.4(SH3TC2):c.2130G>A (p.Gln710=)

Gene: SH3TC2 (SH3 domain and tetratricopeptide repeats 2; minus strand). Cytogenetic location: 5q32.
Variant type: single nucleotide variant.
Coding change: c.2130G>A on transcript NM_024577.4 (MANE Select); coding-DNA position 2130, G replaced by A.
Protein change: p.Gln710=; no amino-acid change (glutamine 710 retained).
Molecular consequence: synonymous variant.
Genome position (GRCh38, 1-based): chr5:149,027,602, C>T on the plus strand (G>A on the coding strand, the complement: SH3TC2 is on the minus strand). VCF-style: chr5-149027602-C-T. GRCh37 (hg19) VCF-style: chr5-148407165-C-T.
Identifiers: ClinVar variation 508198 (VCV000508198.13), dbSNP rs763652479, ClinGen allele CA3499054.

ClinVar aggregate classification (germline): Likely benign. Review status: criteria provided, multiple submitters, no conflicts (2 of 4 stars). 4 submissions from 4 submitters: Likely benign (4). Last evaluated 2025-10-21.

Conditions:
SH3TC2-related disorder. Also called: SH3TC2-related condition; SH3TC2-related disorders. Identifiers: MedGen CN239303.
Charcot-Marie-Tooth disease type 4. Also called: Charcot-Marie-Tooth disease, type IV; Charcot-Marie-Tooth, Type 4. Identifiers: Orphanet 64749, MedGen C4082197, MONDO:0018995.
Inborn genetic diseases. Identifiers: MedGen C0950123, MeSH D030342.

Allele frequency attached by ClinVar (database versions not stated): gnomAD 0.00001; gnomAD exomes 0.00001 and 0.00004; TOPMed 0.00001; ExAC 0.00002.
gnomAD v4.1: 20 of 1,614,138 alleles (0.0012%); highest among the groups gnomAD compares: Admixed American, 0.012%; 1 homozygote.

Submissions (4):

PreventionGenetics, part of Exact Sciences
Classification: Likely benign for SH3TC2-related condition. Last evaluated: 2025-10-21. Review status: criteria provided, single submitter. Criteria: ACMG Guidelines, 2015. Collection method: clinical testing. Allele origin: germline.
Comment: This variant is classified as likely benign based on ACMG/AMP sequence variant interpretation guidelines (Richards et al. 2015 PMID: 25741868, with internal and published modifications).

Labcorp Genetics (formerly Invitae), Labcorp
Classification: Likely benign for Charcot-Marie-Tooth disease type 4. Last evaluated: 2024-04-17. Review status: criteria provided, single submitter. Criteria: Invitae Variant Classification Sherloc (09022015). Collection method: clinical testing. Allele origin: germline.

Ambry Genetics
Classification: Likely benign for Inborn genetic diseases. Last evaluated: 2019-07-11. Review status: criteria provided, single submitter. Criteria: Ambry Variant Classification Scheme 2023. Collection method: clinical testing. Allele origin: germline.

GeneDx
Classification: Likely benign. Last evaluated: 2017-03-20. Review status: criteria provided, single submitter. Criteria: GeneDx Variant Classification (06012015). Collection method: clinical testing. Allele origin: germline. Affected: yes.
Comment: This variant is considered likely benign or benign based on one or more of the following criteria: it is a conservative change, it occurs at a poorly conserved position in the protein, it is predicted to be benign by multiple in silico algorithms, and/or has population frequency not consistent with disease.